The following is an entry in ClinVar:

NM_001394062.1(MACF1):c.1918A>G (p.Lys640Glu)

Gene: MACF1 (microtubule actin crosslinking factor 1; plus strand). Cytogenetic location: 1p34.3.
Variant type: single nucleotide variant.
Coding change: c.1918A>G on transcript NM_001394062.1 (MANE Select); coding-DNA position 1918, A replaced by G.
Protein change: p.Lys640Glu; replaces lysine 640 with glutamic acid.
Molecular consequence: missense variant.
Genome position (GRCh38, 1-based): chr1:39,292,769, A>G. VCF-style: chr1-39292769-A-G. GRCh37 (hg19) VCF-style: chr1-39758441-A-G.
Other names: c.1933A>G, p.Lys645Glu (NM_012090.5); short protein forms K645E, K640E.
Identifiers: ClinVar variation 2782998 (VCV002782998.3), dbSNP rs1318709180, ClinGen allele CA339765598.
Genomic context (GRCh38, chr1:39,292,769, plus strand): 5'-CACGTAGTTTACTTACTCTTTCTCTAATGTATTTTTATTTCATTCTTTTTTAATCAGGGA[A>G]AGATGTCCCAGAATTTCCATACCAGCTATGCTGAAACTCTTGGAAAGCTGGAGACACAGT-3'
Protein context (NP_001380991.1, residues 630-650): SVKEARLYEG[Lys640Glu]MSQNFHTSYA

ClinVar aggregate classification (germline): Uncertain significance (1 of 4 stars; one submission).

Allele frequency attached by ClinVar (database versions not stated): gnomAD exomes below 0.00001.
gnomAD v4.1: 2 of 1,608,138 alleles (0.00012%); highest among the groups gnomAD compares: South Asian, 0.0022%; no homozygotes.

Submission:

Labcorp Genetics (formerly Invitae), Labcorp
Classification: Uncertain significance. Last evaluated: 2023-06-29. Review status: criteria provided, single submitter. Criteria: Invitae Variant Classification Sherloc (09022015). Collection method: clinical testing. Allele origin: germline.
Comment: In summary, the available evidence is currently insufficient to determine the role of this variant in disease. Therefore, it has been classified as a Variant of Uncertain Significance. An algorithm developed to predict the effect of missense changes on protein structure and function (PolyPhen-2) suggests that this variant is likely to be disruptive. This variant has not been reported in the literature in individuals affected with MACF1-related conditions. This variant is present in population databases (no rsID available, gnomAD 0.007%). This sequence change replaces lysine, which is basic and polar, with glutamic acid, which is acidic and polar, at codon 645 of the MACF1 protein (p.Lys645Glu).